The following is an entry in ClinVar:

NM_000611.6(CD59):c.285del (p.Phe96fs)

Gene: CD59 (CD59 molecule (CD59 blood group); minus strand). Cytogenetic location: 11p13.
Variant type: Deletion.
Coding change: c.285del on transcript NM_000611.6 (MANE Select); coding-DNA position 285, one base deleted (C; older notation c.285delC).
Protein change: p.Phe96fs; shifts the reading frame from phenylalanine 96.
Molecular consequence: frameshift variant.
Genome position (GRCh38, 1-based): chr11:33,710,228, G deleted on the plus strand (C on the coding strand, the reverse complement: CD59 is on the minus strand). VCF-style (leftmost placement, unchanged base first): chr11-33710227-AG-A. GRCh37 (hg19) VCF-style: chr11-33731773-AG-A.
Other names: c.285del, p.Phe96fs (NM_001127223.1, NM_001127225.2, NM_001127226.2 and 4 more transcripts); c.285delC (NM_203329.3); short protein forms F96fs.
Identifiers: ClinVar variation 3251394 (VCV003251394.1), dbSNP rs1323755929.

ClinVar aggregate classification (germline): Uncertain significance (1 of 4 stars; one submission).

Allele frequency attached by ClinVar (database versions not stated): TOPMed below 0.00001; gnomAD 0.00001; gnomAD exomes 0.00001.

Submission:

Women's Health and Genetics/Laboratory Corporation of America, LabCorp
Classification: Uncertain significance. Last evaluated: 2024-04-09. Review status: criteria provided, single submitter. Criteria: LabCorp Variant Classification Summary - May 2015. Collection method: clinical testing. Allele origin: germline.
Comment: Variant summary: CD59 c.285delC (p.Phe96LeufsX21) results in a premature termination codon in the last exon (exon 5), predicted to cause a truncation of the encoded protein, however, nonsense mediated decay is not expected to occur. The variant was absent in 251386 control chromosomes. The available data on variant occurrences in the general population are insufficient to allow any conclusion about variant significance. To our knowledge, no occurrence of c.285delC in individuals affected with Primary CD59 Deficiency and no experimental evidence demonstrating its impact on protein function have been reported. No submitters have cited clinical-significance assessments for this variant to ClinVar. Based on the evidence outlined above, the variant was classified as uncertain significance.